The following is an entry in ClinVar:

NM_033056.4(PCDH15):c.5683T>G (p.Ser1895Ala)

Gene: PCDH15 (protocadherin related 15; minus strand). Cytogenetic location: 10q21.1.
Variant type: single nucleotide variant.
Coding change: c.5683T>G on transcript NM_033056.4 (MANE Plus Clinical); coding-DNA position 5683, T replaced by G.
Protein change: p.Ser1895Ala; replaces serine 1895 with alanine.
Molecular consequence: missense variant. On other transcripts: intron variant (8).
Genome position (GRCh38, 1-based): chr10:53,822,043, A>C on the plus strand (T>G on the coding strand, the complement: PCDH15 is on the minus strand). VCF-style: chr10-53822043-A-C. GRCh37 (hg19) VCF-style: chr10-55581803-A-C.
Other names: c.5704T>G, p.Ser1902Ala (NM_001142763.2); c.5689T>G, p.Ser1897Ala (NM_001142764.2); c.5476T>G, p.Ser1826Ala (NM_001142765.2); c.5674T>G, p.Ser1892Ala (NM_001142766.2); c.5563T>G, p.Ser1855Ala (NM_001142767.2); c.5623T>G, p.Ser1875Ala (NM_001142768.2); c.5614T>G, p.Ser1872Ala (NM_001142773.2); c.5617T>G, p.Ser1873Ala (NM_001354404.2); and 7 more; short protein forms S1855A, S1897A, S1902A, S1826A, S1872A, S1892A, S1895A, S1873A.
Identifiers: ClinVar variation 1490924 (VCV001490924.8), dbSNP rs759950014, ClinGen allele CA207218570.

ClinVar aggregate classification (germline): Uncertain significance (1 of 4 stars; one submission).

Allele frequency attached by ClinVar (database versions not stated): TOPMed below 0.00001.
gnomAD v4.1: 1 of 1,613,812 alleles (0.000062%); highest among the groups gnomAD compares: African/African-American, 0.0013%; no homozygotes.

Submission:

Labcorp Genetics (formerly Invitae), Labcorp
Classification: Uncertain significance. Last evaluated: 2025-01-06. Review status: criteria provided, single submitter. Criteria: Invitae Variant Classification Sherloc (09022015). Collection method: clinical testing. Allele origin: germline.
Comment: This sequence change replaces serine, which is neutral and polar, with alanine, which is neutral and non-polar, at codon 1895 of the PCDH15 protein (p.Ser1895Ala). This variant is not present in population databases (gnomAD no frequency). This variant has not been reported in the literature in individuals affected with PCDH15-related conditions. ClinVar contains an entry for this variant (Variation ID: 1490924). Invitae Evidence Modeling of protein sequence and biophysical properties (such as structural, functional, and spatial information, amino acid conservation, physicochemical variation, residue mobility, and thermodynamic stability) indicates that this missense variant is not expected to disrupt PCDH15 protein function with a negative predictive value of 95%. In summary, the available evidence is currently insufficient to determine the role of this variant in disease. Therefore, it has been classified as a Variant of Uncertain Significance.